The following is an entry in ClinVar:

NM_012186.3(FOXE3):c.524A>T (p.His175Leu)

Genes: FOXE3 (forkhead box E3; plus strand), LINC01389 (long intergenic non-protein coding RNA 1389; minus strand). Cytogenetic location: 1p33.
Variant type: single nucleotide variant.
Coding change: c.524A>T on transcript NM_012186.3 (MANE Select); coding-DNA position 524, A replaced by T.
Protein change: p.His175Leu; replaces histidine 175 with leucine.
Molecular consequence: missense variant.
Genome position (GRCh38, 1-based): chr1:47,416,839, A>T. VCF-style: chr1-47416839-A-T. GRCh37 (hg19) VCF-style: chr1-47882511-A-T.
Other names: short protein forms H175L.
Identifiers: ClinVar variation 3516702 (VCV003516702.1).

ClinVar aggregate classification (germline): Uncertain significance (1 of 4 stars; one submission).

Conditions:
Cardiovascular phenotype. Identifiers: MedGen CN230736.

Submission:

Ambry Genetics
Classification: Uncertain significance for Cardiovascular phenotype. Last evaluated: 2024-10-22. Review status: criteria provided, single submitter. Criteria: Ambry Variant Classification Scheme 2023. Collection method: clinical testing. Allele origin: germline.
Comment: The p.H175L variant (also known as c.524A>T), located in coding exon 1 of the FOXE3 gene, results from an A to T substitution at nucleotide position 524. The histidine at codon 175 is replaced by leucine, an amino acid with similar properties. This amino acid position is conserved. In addition, this alteration is predicted to be tolerated by in silico analysis. Based on the available evidence, the clinical significance of this variant remains unclear.